The following is an entry in ClinVar:

NM_001458.5(FLNC):c.1351C>T (p.His451Tyr)

Gene: FLNC (filamin C; plus strand). Cytogenetic location: 7q32.1.
Variant type: single nucleotide variant.
Coding change: c.1351C>T on transcript NM_001458.5 (MANE Select); coding-DNA position 1351, C replaced by T.
Protein change: p.His451Tyr; replaces histidine 451 with tyrosine.
Molecular consequence: missense variant.
Genome position (GRCh38, 1-based): chr7:128,838,743, C>T. VCF-style: chr7-128838743-C-T. GRCh37 (hg19) VCF-style: chr7-128478797-C-T.
Other names: c.1351C>T, p.His451Tyr (NM_001127487.2); short protein forms H451Y.
Identifiers: ClinVar variation 1952195 (VCV001952195.5), dbSNP rs2536622366, ClinGen allele CA369224993.

ClinVar aggregate classification (germline): Uncertain significance (1 of 4 stars; one submission).

Conditions:
Myofibrillar myopathy 5. Also called: FILAMINOPATHY, AUTOSOMAL DOMINANT; Filaminopathy (type). Identifiers: Orphanet 171445, MedGen C1836050, MONDO:0012289, OMIM 609524.
Hypertrophic cardiomyopathy 26. Also called: Cardiomyopathy, familial hypertrophic, 26. Identifiers: Orphanet 75249, MedGen C4310749, MONDO:0014883, OMIM 617047.
Distal myopathy with posterior leg and anterior hand involvement. Also called: WILLIAMS DISTAL MYOPATHY. Identifiers: Orphanet 63273, MedGen C3279722, MONDO:0013550, OMIM 614065.

Submission:

Labcorp Genetics (formerly Invitae), Labcorp
Classification: Uncertain significance for Distal myopathy with posterior leg and anterior hand involvement; Myofibrillar myopathy 5; Hypertrophic cardiomyopathy 26. Last evaluated: 2022-03-18. Review status: criteria provided, single submitter. Criteria: Invitae Variant Classification Sherloc (09022015). Collection method: clinical testing. Allele origin: germline.
Comment: This sequence change replaces histidine, which is basic and polar, with tyrosine, which is neutral and polar, at codon 451 of the FLNC protein (p.His451Tyr). This variant is not present in population databases (gnomAD no frequency). This variant has not been reported in the literature in individuals affected with FLNC-related conditions. Algorithms developed to predict the effect of missense changes on protein structure and function (SIFT, PolyPhen-2, Align-GVGD) all suggest that this variant is likely to be tolerated. Algorithms developed to predict the effect of sequence changes on RNA splicing suggest that this variant may create or strengthen a splice site. In summary, the available evidence is currently insufficient to determine the role of this variant in disease. Therefore, it has been classified as a Variant of Uncertain Significance.